The following is an entry in ClinVar:

NM_001304438.2(TMEM132E):c.256G>C (p.Glu86Gln)

Gene: TMEM132E (transmembrane protein 132E; plus strand). Cytogenetic location: 17q12.
Variant type: single nucleotide variant.
Coding change: c.256G>C on transcript NM_001304438.2 (MANE Select); coding-DNA position 256, G replaced by C.
Protein change: p.Glu86Gln; replaces glutamic acid 86 with glutamine.
Molecular consequence: missense variant.
Genome position (GRCh38, 1-based): chr17:34,626,315, G>C. VCF-style: chr17-34626315-G-C. GRCh37 (hg19) VCF-style: chr17-32953334-G-C.
Other names: short protein forms E86Q.
Identifiers: ClinVar variation 3348808 (VCV003348808.2).

ClinVar aggregate classification (germline): Likely benign. Review status: criteria provided, single submitter (1 of 4 stars). 2 submissions from 2 submitters: Likely benign (1). 1 of the submissions does not count toward it. Last evaluated 2025-10-14.

Conditions:
TMEM132E-related disorder. Also called: TMEM132E-related condition.

gnomAD v4.1: 411 of 1,612,152 alleles (0.025%); highest among the groups gnomAD compares: South Asian, 0.41%; 7 homozygotes.

Submissions (2):

Labcorp Genetics (formerly Invitae), Labcorp
Classification: Likely benign. Last evaluated: 2025-10-14. Review status: criteria provided, single submitter. Criteria: Invitae Variant Classification Sherloc (09022015). Collection method: clinical testing. Allele origin: germline.

PreventionGenetics, part of Exact Sciences
Classification: Likely benign for TMEM132E-related condition. Last evaluated: 2024-07-03. Review status: no assertion criteria provided. Collection method: clinical testing. Allele origin: germline. Not counted in ClinVar's aggregate classification.
Comment: This variant is classified as likely benign based on ACMG/AMP sequence variant interpretation guidelines (Richards et al. 2015 PMID: 25741868, with internal and published modifications).